The following is an entry in ClinVar:

ClinVar aggregate classification (germline): Uncertain significance (1 of 4 stars; one submission).

Conditions:
Hereditary cancer-predisposing syndrome. Also called: Neoplastic Syndromes, Hereditary; Tumor predisposition; Hereditary Cancer Syndrome; Hereditary neoplastic syndrome. Identifiers: Orphanet 140162, MedGen C0027672, MeSH D009386, MONDO:0015356.

Submission:

Ambry Genetics
Classification: Uncertain significance for Hereditary cancer-predisposing syndrome. Last evaluated: 2025-10-09. Review status: criteria provided, single submitter. Criteria: Ambry Variant Classification Scheme 2023. Collection method: clinical testing. Allele origin: germline.
Comment: The p.L1472P variant (also known as c.4415T>C), located in coding exon 12 of the BRCA1 gene, results from a T to C substitution at nucleotide position 4415. The leucine at codon 1472 is replaced by proline, an amino acid with similar properties. This amino acid position is well conserved in available vertebrate species. In addition, the in silico prediction for this alteration is inconclusive. Based on the available evidence, the clinical significance of this variant remains unclear.

NM_007294.4(BRCA1):c.4415T>C (p.Leu1472Pro)

Gene: BRCA1 (BRCA1 DNA repair associated; minus strand). Cytogenetic location: 17q21.31.
Variant type: single nucleotide variant.
Coding change: c.4415T>C on transcript NM_007294.4 (MANE Select); coding-DNA position 4415, T replaced by C.
Protein change: p.Leu1472Pro; replaces leucine 1472 with proline.
Molecular consequence: missense variant. On other transcripts: intron variant (3).
Genome position (GRCh38, 1-based): chr17:43,076,557, A>G on the plus strand (T>C on the coding strand, the complement: BRCA1 is on the minus strand). VCF-style: chr17-43076557-A-G. GRCh37 (hg19) VCF-style: chr17-41228574-A-G.
Other names: c.4337T>C, p.Leu1446Pro (NM_001407653.1, NM_001407654.1, NM_001407655.1); c.896T>C, p.Leu299Pro (NM_001408478.1, NM_001408479.1, NM_001408480.1); c.893T>C, p.Leu298Pro (NM_001408481.1, NM_001408482.1, NM_001408483.1 and 5 more transcripts); c.4334T>C, p.Leu1445Pro (NM_001407656.1, NM_001407657.1, NM_001407658.1); c.4331T>C, p.Leu1444Pro (NM_001407659.1, NM_001407660.1, NM_001407661.1 and 2 more transcripts); c.890T>C, p.Leu297Pro (NM_001408492.1, NM_001408493.1); c.4292T>C, p.Leu1431Pro (NM_001407664.1, NM_001407665.1, NM_001407667.1 and 6 more transcripts); c.842T>C, p.Leu281Pro (NM_001408498.1, NM_001408497.1, NM_001408496.1 and 3 more transcripts); and 71 more; short protein forms L1176P, L1345P, L1359P, L1361P, L1384P, L1402P, L1452P, L1467P.
Identifiers: ClinVar variation 4625110 (VCV004625110.1).